The following is an entry in ClinVar:

ClinVar aggregate classification (germline): Likely benign. Review status: criteria provided, multiple submitters, no conflicts (2 of 4 stars). 5 submissions from 5 submitters: Likely benign (5). Last evaluated 2025-09-15.

Conditions:
Hypertrophic cardiomyopathy 11. Also called: ACTC1-Related Familial Hypertrophic Cardiomyopathy. Identifiers: MedGen C2677506, MONDO:0012799, OMIM 612098.
Dilated cardiomyopathy 1R (CMD1R). Identifiers: Orphanet 154, Orphanet 54260, MedGen C3150681, MONDO:0013261, OMIM 613424.
Atrial septal defect 5 (ASD5). Identifiers: Orphanet 1478, MedGen C2748552, MONDO:0013011, OMIM 612794.
Hypertrophic cardiomyopathy. Also called: HYPERTROPHIC MYOCARDIOPATHY. Identifiers: Orphanet 217569, MedGen C0007194, MeSH D002312, MONDO:0005045, HP:0001639.
Cardiovascular phenotype. Identifiers: MedGen CN230736.
Cardiomyopathy (CMYO). Also called: Cardiomyopathies. Identifiers: Orphanet 167848, MedGen C0878544, MONDO:0004994, HP:0001638. Inheritance: Various modes of inheritance.

Allele frequency attached by ClinVar (database versions not stated): gnomAD exomes 0.00001 and 0.00003; gnomAD 0.00003; TOPMed 0.00003; ExAC 0.00004; ESP Exome Variant Server 0.00008; 1000 Genomes Project 30x 0.00031; 1000 Genomes Project 0.00040.

Submissions (5):

Labcorp Genetics (formerly Invitae), Labcorp
Classification: Likely benign for Dilated cardiomyopathy 1R; Hypertrophic cardiomyopathy 11; Atrial septal defect 5. Last evaluated: 2025-09-15. Review status: criteria provided, single submitter. Criteria: Invitae Variant Classification Sherloc (09022015). Collection method: clinical testing. Allele origin: germline.

All of Us Research Program, National Institutes of Health
Classification: Likely benign for Hypertrophic cardiomyopathy. Last evaluated: 2024-02-05. Review status: criteria provided, single submitter. Criteria: ACMG Guidelines, 2015. Collection method: clinical testing. Allele origin: germline. Inheritance: Autosomal dominant inheritance. Observed: 14 variant alleles, 14 heterozygotes.
Comment: This study involves interpretation of variants in research participants for the purpose of population health screening. Participant phenotype was not available at the time of variant classification. Additional details can be found in publication PMID: 35346344, PMCID: PMC8962531

Women's Health and Genetics/Laboratory Corporation of America, LabCorp
Classification: Likely benign. Last evaluated: 2024-02-05. Review status: criteria provided, single submitter. Criteria: LabCorp Variant Classification Summary - May 2015. Collection method: clinical testing. Allele origin: germline.

Ambry Genetics
Classification: Likely benign for Cardiovascular phenotype. Last evaluated: 2020-05-14. Review status: criteria provided, single submitter. Criteria: Ambry Variant Classification Scheme 2023. Collection method: clinical testing. Allele origin: germline.

Color Diagnostics, LLC DBA Color Health
Classification: Likely benign for Cardiomyopathy. Last evaluated: 2019-05-16. Review status: criteria provided, single submitter. Criteria: ACMG Guidelines, 2015. Collection method: clinical testing. Allele origin: germline.

NM_005159.5(ACTC1):c.498C>T (p.Pro166=)

Genes: GJD2-DT (GJD2 divergent transcript; plus strand), ACTC1 (actin alpha cardiac muscle 1; minus strand). Cytogenetic location: 15q14.
Variant type: single nucleotide variant.
Coding change: c.498C>T on transcript NM_005159.5 (MANE Select); coding-DNA position 498, C replaced by T.
Protein change: p.Pro166=; no amino-acid change (proline 166 retained).
Molecular consequence: synonymous variant.
Genome position (GRCh38, 1-based): chr15:34,792,526, G>A on the plus strand (C>T on the coding strand, the complement: ACTC1 is on the minus strand). VCF-style: chr15-34792526-G-A. GRCh37 (hg19) VCF-style: chr15-35084727-G-A.
Identifiers: ClinVar variation 704062 (VCV000704062.15), dbSNP rs370082904, ClinGen allele CA042023.
Genomic context (GRCh38, chr15:34,792,526, plus strand): 5'-GTCCCGACCAGCCAGATCCAGACGCATGATGGCATGGGGCAAAGCGTAGCCCTCATAGAT[G>A]GGGACATTGTGAGTTACACCATCCCCAGAGTCCAGAACAATGCCTGCCCGGGGAAGTAGA-3'
Protein context (NP_005150.1, residues 156-176): DSGDGVTHNV[Pro166=]IYEGYALPHA